The following is an entry in ClinVar:

NM_000501.4(ELN):c.1834G>C (p.Val612Leu)

Gene: ELN (elastin; plus strand). Cytogenetic location: 7q11.23.
Variant type: single nucleotide variant.
Coding change: c.1834G>C on transcript NM_000501.4 (MANE Select); coding-DNA position 1834, G replaced by C.
Protein change: p.Val612Leu; replaces valine 612 with leucine.
Molecular consequence: missense variant.
Genome position (GRCh38, 1-based): chr7:74,063,200, G>C. VCF-style: chr7-74063200-G-C. GRCh37 (hg19) VCF-style: chr7-73477530-G-C.
Other names: c.1747G>C, p.Val583Leu (NM_001081752.3); c.1792G>C, p.Val598Leu (NM_001081753.3); c.1849G>C, p.Val617Leu (NM_001081754.3); c.1777G>C, p.Val593Leu (NM_001081755.3); c.1834G>C, p.Val612Leu (NM_001278912.2); c.1591G>C, p.Val531Leu (NM_001278913.2); c.1762G>C, p.Val588Leu (NM_001278914.2); c.1852G>C, p.Val618Leu (NM_001278915.2); and 4 more; short protein forms V523L, V531L, V564L, V583L, V588L, V593L, V598L, V602L.
Identifiers: ClinVar variation 2637255 (VCV002637255.1), dbSNP rs1479113617, ClinGen allele CA367889477.

ClinVar aggregate classification (germline): Uncertain significance (1 of 4 stars; one submission).

Conditions:
ELN-related disorder.

Allele frequency attached by ClinVar (database versions not stated): TOPMed below 0.00001; gnomAD 0.00001; gnomAD exomes 0.00001.
gnomAD v4.1: 9 of 1,608,690 alleles (0.00056%); highest among the groups gnomAD compares: Non-Finnish European, 0.00076%; no homozygotes.

Submission:

PreventionGenetics, part of Exact Sciences
Classification: Uncertain significance for ELN-related condition. Last evaluated: 2022-09-29. Review status: criteria provided, single submitter. Criteria: ACMG Guidelines, 2015. Collection method: clinical testing. Allele origin: germline.
Comment: The ELN c.1834G>C variant is predicted to result in the amino acid substitution p.Val612Leu. To our knowledge, this variant has not been reported in the literature or in a large population database, indicating this variant is rare. At this time, the clinical significance of this variant is uncertain due to the absence of conclusive functional and genetic evidence.